The following is an entry in ClinVar:

ClinVar aggregate classification (germline): Uncertain significance (1 of 4 stars; one submission).

Conditions:
Neurodevelopmental disorder and structural brain anomalies with or without seizures and spasticity. Identifiers: MedGen C5394423, MONDO:0030046, OMIM 618890.

Submission:

Laboratorio de Genetica e Diagnostico Molecular, Hospital Israelita Albert Einstein
Classification: Uncertain significance for Neurodevelopmental disorder and structural brain anomalies with or without seizures and spasticity. Last evaluated: 2023-06-21. Review status: criteria provided, single submitter. Criteria: ACMG Guidelines, 2015. Collection method: clinical testing. Allele origin: germline. Affected: yes.
Comment: ACMG classification criteria: PM2 moderate, BP4 supporting

NM_015466.4(PTPN23):c.2075G>T (p.Arg692Leu)

Gene: PTPN23 (protein tyrosine phosphatase non-receptor type 23; plus strand). Cytogenetic location: 3p21.31.
Variant type: single nucleotide variant.
Coding change: c.2075G>T on transcript NM_015466.4 (MANE Select); coding-DNA position 2075, G replaced by T.
Protein change: p.Arg692Leu; replaces arginine 692 with leucine.
Molecular consequence: missense variant.
Genome position (GRCh38, 1-based): chr3:47,409,780, G>T. VCF-style: chr3-47409780-G-T. GRCh37 (hg19) VCF-style: chr3-47451270-G-T.
Other names: c.1697G>T, p.Arg566Leu (NM_001304482.2); short protein forms R566L, R692L.
Identifiers: ClinVar variation 4076277 (VCV004076277.1).